The following is an entry in ClinVar:

ClinVar aggregate classification (germline): Likely benign. Review status: criteria provided, multiple submitters, no conflicts (2 of 4 stars). 3 submissions from 3 submitters: Likely benign (2). 1 of the submissions does not count toward it. Last evaluated 2026-01-24.

Conditions:
NBAS-related disorder. Also called: NBAS-related condition.

Allele frequency attached by ClinVar (database versions not stated): 1000 Genomes Project 30x 0.00047; 1000 Genomes Project 0.00060; TOPMed 0.00096; ExAC 0.00105; gnomAD exomes 0.00114 and 0.00182; gnomAD 0.00117 and 0.00118; ESP Exome Variant Server 0.00131.
gnomAD v4.1: 2,763 of 1,599,382 alleles (0.17%); highest among the groups gnomAD compares: Non-Finnish European, 0.21%; 6 homozygotes.

Submissions (3):

Labcorp Genetics (formerly Invitae), Labcorp
Classification: Likely benign. Last evaluated: 2026-01-24. Review status: criteria provided, single submitter. Criteria: Invitae Variant Classification Sherloc (09022015). Collection method: clinical testing. Allele origin: germline.

CeGaT Center for Human Genetics Tuebingen
Classification: Likely benign. Last evaluated: 2023-06-01. Review status: criteria provided, single submitter. Criteria: CeGaT Center For Human Genetics Tuebingen Variant Classification Criteria Version 2. Collection method: clinical testing. Allele origin: germline. Affected: yes. Observed: 1 variant allele.
Comment: NBAS: BS1

PreventionGenetics, part of Exact Sciences
Classification: Likely benign for NBAS-related condition. Last evaluated: 2022-02-26. Review status: no assertion criteria provided. Collection method: clinical testing. Allele origin: germline. Not counted in ClinVar's aggregate classification.
Comment: This variant is classified as likely benign based on ACMG/AMP sequence variant interpretation guidelines (Richards et al. 2015 PMID: 25741868, with internal and published modifications).

NM_015909.4(NBAS):c.2116C>T (p.His706Tyr)

Gene: NBAS (NBAS subunit of NRZ tethering complex; minus strand). Cytogenetic location: 2p24.3.
Variant type: single nucleotide variant.
Coding change: c.2116C>T on transcript NM_015909.4 (MANE Select); coding-DNA position 2116, C replaced by T.
Protein change: p.His706Tyr; replaces histidine 706 with tyrosine.
Molecular consequence: missense variant. On other transcripts: non-coding transcript variant (1).
Genome position (GRCh38, 1-based): chr2:15,461,773, G>A on the plus strand (C>T on the coding strand, the complement: NBAS is on the minus strand). VCF-style: chr2-15461773-G-A. GRCh37 (hg19) VCF-style: chr2-15601897-G-A.
Other names: short protein forms H706Y.
Identifiers: ClinVar variation 770690 (VCV000770690.35), dbSNP rs116458109, ClinGen allele CA1536451.